The following is an entry in ClinVar:

ClinVar aggregate classification (germline): Uncertain significance. Review status: criteria provided, single submitter (1 of 4 stars). 2 submissions from 2 submitters: Uncertain significance (1). 1 of the submissions does not count toward it. Last evaluated 2018-01-13.

Conditions:
DSG4-related disorder. Also called: DSG4-related condition.
Hypotrichosis 6 (HYPT6). Also called: MONILETHRIX-LIKE HYPOTRICHOSIS; HYPOTRICHOSIS, LOCALIZED, AUTOSOMAL RECESSIVE 1. Identifiers: Orphanet 55654, MedGen C1842839, MONDO:0011932, OMIM 607903.

Allele frequency attached by ClinVar (database versions not stated): ExAC 0.00002; gnomAD exomes 0.00002 and 0.00003; TOPMed 0.00007; ESP Exome Variant Server 0.00008; gnomAD 0.00011 and 0.00012.
gnomAD v4.1: 60 of 1,613,972 alleles (0.0037%); highest among the groups gnomAD compares: African/African-American, 0.021%; no homozygotes.

Submissions (2):

Illumina Laboratory Services, Illumina
Classification: Uncertain significance for Hypotrichosis 6. Last evaluated: 2018-01-13. Review status: criteria provided, single submitter. Criteria: ICSL Variant Classification Criteria 13 December 2019. Collection method: clinical testing. Allele origin: germline.

PreventionGenetics, part of Exact Sciences
Classification: Likely benign for DSG4-related condition. Last evaluated: 2020-06-10. Review status: no assertion criteria provided. Collection method: clinical testing. Allele origin: germline. Not counted in ClinVar's aggregate classification.
Comment: This variant is classified as likely benign based on ACMG/AMP sequence variant interpretation guidelines (Richards et al. 2015 PMID: 25741868, with internal and published modifications).

NM_177986.5(DSG4):c.1210T>C (p.Leu404=)

Genes: DSG1-AS1 (DSG1 antisense RNA 1; minus strand), DSG4 (desmoglein 4; plus strand). Cytogenetic location: 18q12.1.
Variant type: single nucleotide variant.
Coding change: c.1210T>C on transcript NM_177986.5 (MANE Select); coding-DNA position 1210, T replaced by C.
Protein change: p.Leu404=; no amino-acid change (leucine 404 retained).
Molecular consequence: synonymous variant.
Genome position (GRCh38, 1-based): chr18:31,399,476, T>C. VCF-style: chr18-31399476-T-C. GRCh37 (hg19) VCF-style: chr18-28979439-T-C.
Other names: c.1210T>C, p.Leu404= (NM_001134453.3); c.1210T>C (NM_177986.4).
Identifiers: ClinVar variation 889975 (VCV000889975.6), dbSNP rs376174057, ClinGen allele CA8926939.